The following is an entry in ClinVar:

NM_001256789.3(CACNA1F):c.4472G>A (p.Arg1491Gln)

Gene: CACNA1F (calcium voltage-gated channel subunit alpha1 F; minus strand). Cytogenetic location: Xp11.23.
Variant type: single nucleotide variant.
Coding change: c.4472G>A on transcript NM_001256789.3 (MANE Select); coding-DNA position 4472, G replaced by A.
Protein change: p.Arg1491Gln; replaces arginine 1491 with glutamine.
Molecular consequence: missense variant.
Genome position (GRCh38, 1-based): chrX:49,210,603, C>T on the plus strand (G>A on the coding strand, the complement: CACNA1F is on the minus strand). VCF-style: chrX-49210603-C-T. GRCh37 (hg19) VCF-style: chrX-49067063-C-T.
Other names: c.4310G>A, p.Arg1437Gln (NM_001256790.3); c.4505G>A, p.Arg1502Gln (NM_005183.4); short protein forms R1437Q, R1491Q, R1502Q.
Identifiers: ClinVar variation 1051804 (VCV001051804.10), dbSNP rs2147896102, ClinGen allele CA412960947.

ClinVar aggregate classification (germline): Uncertain significance (1 of 4 stars; one submission).

gnomAD v4.1: 2 of 1,209,211 alleles (0.00017%); highest among the groups gnomAD compares: Non-Finnish European, 0.00022%; no homozygotes.

Submission:

Labcorp Genetics (formerly Invitae), Labcorp
Classification: Uncertain significance. Last evaluated: 2022-01-06. Review status: criteria provided, single submitter. Criteria: Invitae Variant Classification Sherloc (09022015). Collection method: clinical testing. Allele origin: germline.
Comment: Algorithms developed to predict the effect of missense changes on protein structure and function are either unavailable or do not agree on the potential impact of this missense change (SIFT: "Deleterious"; PolyPhen-2: "Benign"; Align-GVGD: "Class C35"). In summary, the available evidence is currently insufficient to determine the role of this variant in disease. Therefore, it has been classified as a Variant of Uncertain Significance. ClinVar contains an entry for this variant (Variation ID: 1051804). This missense change has been observed in individual(s) with clinical features of CACNA1F-related conditions (Invitae). This variant is not present in population databases (gnomAD no frequency). This sequence change replaces arginine, which is basic and polar, with glutamine, which is neutral and polar, at codon 1502 of the CACNA1F protein (p.Arg1502Gln).